The following is an entry in ClinVar:

ClinVar aggregate classification (germline): Uncertain significance (1 of 4 stars; one submission).

Conditions:
Familial hypobetalipoproteinemia 1. Also called: APOB-Related Familial Hypobetalipoproteinemia; Hypobetalipoproteinemia, normotriglyceridemic; Acanthocytosis with hypobetalipoproteinemia. Identifiers: MedGen C4551990, MONDO:0014252, OMIM 615558.
Hypercholesterolemia, autosomal dominant, type B (FHCL2). Also called: APOB-Related Familial Hypercholesterolemia, Autosomal Dominant; Familial hypercholesterolemia 2; Familial Hypercholesterolemia Type B; APOLIPOPROTEIN B-100, FAMILIAL DEFECTIVE; APOLIPOPROTEIN B-100, FAMILIAL LIGAND-DEFECTIVE; HYPERCHOLESTEROLEMIA, FAMILIAL, DUE TO LIGAND-DEFECTIVE APOLIPOPROTEIN B. Identifiers: MedGen C1704417, MONDO:0007751, OMIM 144010.

gnomAD v4.1: 2 of 1,614,008 alleles (0.00012%); highest among the groups gnomAD compares: Non-Finnish European, 0.00017%; no homozygotes.

Submission:

Labcorp Genetics (formerly Invitae), Labcorp
Classification: Uncertain significance for Familial hypobetalipoproteinemia 1; Hypercholesterolemia, autosomal dominant, type B. Last evaluated: 2026-01-26. Review status: criteria provided, single submitter. Criteria: Invitae Variant Classification Sherloc (09022015). Collection method: clinical testing. Allele origin: germline.
Comment: This sequence change replaces glutamine, which is neutral and polar, with lysine, which is basic and polar, at codon 3100 of the APOB protein (p.Gln3100Lys). This variant is present in population databases (rs147670126, gnomAD 0.002%). This variant has not been reported in the literature in individuals affected with APOB-related conditions. Invitae Evidence Modeling of protein sequence and biophysical properties (such as structural, functional, and spatial information, amino acid conservation, physicochemical variation, residue mobility, and thermodynamic stability) indicates that this missense variant is not expected to disrupt APOB protein function with a negative predictive value of 95%. In summary, the available evidence is currently insufficient to determine the role of this variant in disease. Therefore, it has been classified as a Variant of Uncertain Significance.

NM_000384.3(APOB):c.9298C>A (p.Gln3100Lys)

Gene: APOB (apolipoprotein B; minus strand). Cytogenetic location: 2p24.1.
Variant type: single nucleotide variant.
Coding change: c.9298C>A on transcript NM_000384.3 (MANE Select); coding-DNA position 9298, C replaced by A.
Protein change: p.Gln3100Lys; replaces glutamine 3100 with lysine.
Molecular consequence: missense variant.
Genome position (GRCh38, 1-based): chr2:21,007,570, G>T on the plus strand (C>A on the coding strand, the complement: APOB is on the minus strand). VCF-style: chr2-21007570-G-T. GRCh37 (hg19) VCF-style: chr2-21230442-G-T.
Other names: short protein forms Q3100K.
Identifiers: ClinVar variation 4790328 (VCV004790328.1).